The following is an entry in ClinVar:

ClinVar aggregate classification (germline): Conflicting classifications of pathogenicity. Review status: criteria provided, conflicting classifications (1 of 4 stars). 3 submissions from 3 submitters: Likely pathogenic (2); Uncertain significance (1). Last evaluated 2024-02-28.

Conditions:
Miyoshi muscular dystrophy 1 (MMD1). Identifiers: Orphanet 45448, MedGen C4551973, MONDO:0024545, OMIM 254130.
Neuromuscular disease caused by qualitative or quantitative defects of dysferlin. Also called: Qualitative or quantitative defects of dysferlin; Dysferlinopathy. Identifiers: Orphanet 207073, MedGen C2931687, MONDO:0016145.

Allele frequency attached by ClinVar (database versions not stated): TOPMed below 0.00001; ExAC 0.00003.
gnomAD v4.1: 27 of 1,605,566 alleles (0.0017%); highest among the groups gnomAD compares: Admixed American, 0.0051%; no homozygotes.

Submissions (3):

Baylor Genetics
Classification: Likely pathogenic for Miyoshi muscular dystrophy 1. Last evaluated: 2024-02-28. Review status: criteria provided, single submitter. Criteria: ACMG Guidelines, 2015. Collection method: clinical testing. Allele origin: unknown.

Labcorp Genetics (formerly Invitae), Labcorp
Classification: Likely pathogenic for Neuromuscular disease caused by qualitative or quantitative defects of dysferlin. Last evaluated: 2024-01-09. Review status: criteria provided, single submitter. Criteria: Invitae Variant Classification Sherloc (09022015). Collection method: clinical testing. Allele origin: germline.
Comment: This sequence change falls in intron 40 of the DYSF gene. It does not directly change the encoded amino acid sequence of the DYSF protein. This variant is present in population databases (rs774448845, gnomAD 0.004%). This variant has been observed in individual(s) with clinical features of DYSF-related conditions (PMID: 18396043, 33610434). ClinVar contains an entry for this variant (Variation ID: 1448232). Algorithms developed to predict the effect of sequence changes on RNA splicing suggest that this variant may disrupt the consensus splice site. In summary, the currently available evidence indicates that the variant is pathogenic, but additional data are needed to prove that conclusively. Therefore, this variant has been classified as Likely Pathogenic.

Revvity Omics, Revvity
Classification: Uncertain significance. Last evaluated: 2023-12-26. Review status: criteria provided, single submitter. Criteria: ACMG Guidelines, 2015. Collection method: clinical testing. Allele origin: germline.

Literature cited by the submitters: PubMed 18396043 (cited by Labcorp Genetics (formerly Invitae), Labcorp); PubMed 33610434 (cited by Labcorp Genetics (formerly Invitae), Labcorp).

NM_001130987.2(DYSF):c.4528-5C>G

Gene: DYSF (dysferlin; plus strand). Cytogenetic location: 2p13.2.
Variant type: single nucleotide variant.
Coding change: c.4528-5C>G on transcript NM_001130987.2 (MANE Select); 5 bases into the intron before coding-DNA position 4528, C replaced by G.
Molecular consequence: intron variant.
Genome position (GRCh38, 1-based): chr2:71,643,960, C>G. VCF-style: chr2-71643960-C-G. GRCh37 (hg19) VCF-style: chr2-71871090-C-G.
Other names: c.4504-5C>G (NM_001130979.2); c.4525-5C>G (NM_001130981.2); c.4462-5C>G (NM_001130980.2); c.4474-5C>G (NM_001130978.2); c.4411-5C>G (NM_003494.4); c.4432-5C>G (NM_001130977.2); c.4369-5C>G (NM_001130976.2); c.4507-5C>G (NM_001130982.2); and 5 more.
Identifiers: ClinVar variation 1448232 (VCV001448232.10), dbSNP rs774448845, ClinGen allele CA1707047.